The following is an entry in ClinVar:

ClinVar aggregate classification (germline): Conflicting classifications of pathogenicity. Review status: criteria provided, conflicting classifications (1 of 4 stars). 9 submissions from 9 submitters: Uncertain significance (7); Likely benign (2). Last evaluated 2025-12-31.

Conditions:
Hereditary cancer-predisposing syndrome. Also called: Hereditary Cancer Syndrome; Neoplastic Syndromes, Hereditary; Tumor predisposition; Hereditary neoplastic syndrome. Identifiers: Orphanet 140162, MedGen C0027672, MeSH D009386, MONDO:0015356.
Breast-ovarian cancer, familial, susceptibility to, 2 (BROVCA2). Also called: BRCA2 Hereditary Breast and Ovarian Cancer. Identifiers: Orphanet 145, MedGen C2675520, MONDO:0012933, OMIM 612555. Disease mechanism: loss of function.
Hereditary breast ovarian cancer syndrome. Also called: Hereditary breast and/or ovarian cancer syndrome; BRCA1- and BRCA2-Associated Hereditary Breast and Ovarian Cancer; Hereditary breast and ovarian cancer syndrome (HBOC); Hereditary breast and ovarian cancer; Hereditary breast and ovarian cancer syndrome; Breast and ovarian cancer. Identifiers: Orphanet 145, MedGen C0677776, MeSH D061325, MONDO:0003582. Disease mechanism: loss of function.
Familial cancer of breast. Also called: Hereditary breast cancer; hereditary breast carcinoma; BREAST CANCER, FAMILIAL. Identifiers: Orphanet 227535, MedGen C0346153, MONDO:0016419, OMIM 114480. Disease mechanism: loss of function.

gnomAD v4.1: 1 of 1,589,328 alleles (0.000063%); highest among the groups gnomAD compares: Non-Finnish European, 0.000085%; no homozygotes.

Submissions (9):

Women's Health and Genetics/Laboratory Corporation of America, LabCorp
Classification: Uncertain significance. Last evaluated: 2025-12-31. Review status: criteria provided, single submitter. Criteria: LabCorp Variant Classification Summary - May 2015. Collection method: clinical testing. Allele origin: germline.
Comment: Variant summary: BRCA2 c.6469C>G (p.Gln2157Glu) results in a conservative amino acid change in the encoded protein sequence. Algorithms developed to predict the effect of missense changes on protein structure and function all suggest that this variant is likely to be tolerated. The variant was absent in 229050 control chromosomes (gnomAD). The available data on variant occurrences in the general population are insufficient to allow any conclusion about variant significance. c.6469C>G has been observed in an individual affected with breast cancer without strong evidence of causality (Dorling_2021). This report does not provide unequivocal conclusions about association of the variant with Hereditary Breast And Ovarian Cancer Syndrome. To our knowledge, no experimental evidence demonstrating an impact on protein function has been reported. The following publication has been ascertained in the context of this evaluation (PMID: 33471991). ClinVar contains an entry for this variant (Variation ID: 229881). Based on the evidence outlined above, the variant was classified as uncertain significance.

Labcorp Genetics (formerly Invitae), Labcorp
Classification: Uncertain significance for Hereditary breast ovarian cancer syndrome. Last evaluated: 2025-11-22. Review status: criteria provided, single submitter. Criteria: Invitae Variant Classification Sherloc (09022015). Collection method: clinical testing. Allele origin: germline.
Comment: This sequence change replaces glutamine, which is neutral and polar, with glutamic acid, which is acidic and polar, at codon 2157 of the BRCA2 protein (p.Gln2157Glu). This variant is not present in population databases (gnomAD no frequency). This variant has not been reported in the literature in individuals affected with BRCA2-related conditions. ClinVar contains an entry for this variant (Variation ID: 229881). Invitae Evidence Modeling of protein sequence and biophysical properties (such as structural, functional, and spatial information, amino acid conservation, physicochemical variation, residue mobility, and thermodynamic stability) indicates that this missense variant is not expected to disrupt BRCA2 protein function with a negative predictive value of 95%. In summary, the available evidence is currently insufficient to determine the role of this variant in disease. Therefore, it has been classified as a Variant of Uncertain Significance.

Color Diagnostics, LLC DBA Color Health
Classification: Uncertain significance for Hereditary cancer-predisposing syndrome. Last evaluated: 2025-07-18. Review status: criteria provided, single submitter. Criteria: ACMG Guidelines, 2015. Collection method: clinical testing. Allele origin: germline.
Comment: This missense variant replaces glutamine with glutamic acid at codon 2157 of the BRCA2 protein. Computational prediction suggests that this variant may not impact protein structure and function. To our knowledge, functional studies have not been reported for this variant. This variant has not been reported in individuals affected with BRCA2-related disorders in the literature. This variant has not been identified in the general population by the Genome Aggregation Database (gnomAD). The available evidence is insufficient to determine the role of this variant in disease conclusively. Therefore, this variant is classified as a Variant of Uncertain Significance.

Ambry Genetics
Classification: Uncertain significance for Hereditary cancer-predisposing syndrome. Last evaluated: 2024-04-30. Review status: criteria provided, single submitter. Criteria: Ambry Variant Classification Scheme 2023. Collection method: clinical testing. Allele origin: germline.
Comment: The p.Q2157E variant (also known as c.6469C>G), located in coding exon 10 of the BRCA2 gene, results from a C to G substitution at nucleotide position 6469. The glutamine at codon 2157 is replaced by glutamic acid, an amino acid with highly similar properties. This amino acid position is not well conserved in available vertebrate species. In addition, this alteration is predicted to be tolerated by in silico analysis. Based on the available evidence, the clinical significance of this variant remains unclear.

MGZ Medical Genetics Center
Classification: Likely benign for Familial cancer of breast. Last evaluated: 2024-02-09. Review status: criteria provided, single submitter. Criteria: CSpec BRCA1/2ACMG Rules Specifications V1.1.0. Collection method: clinical testing. Allele origin: germline. Affected: yes.
Comment: ACMG codes applied following ENIGMA VCEP rules: BP1_STR, PM2_SUP

All of Us Research Program, National Institutes of Health
Classification: Uncertain significance for Breast-ovarian cancer, familial, susceptibility to, 2. Last evaluated: 2023-11-30. Review status: criteria provided, single submitter. Criteria: ACMG Guidelines, 2015. Collection method: clinical testing. Allele origin: germline. Inheritance: Autosomal dominant inheritance. Observed: 1 variant allele, 1 heterozygote.
Comment: This missense variant replaces glutamine with glutamic acid at codon 2157 of the BRCA2 protein. Computational prediction suggests that this variant may not impact protein structure and function (internally defined REVEL score threshold <= 0.5, PMID: 27666373). To our knowledge, functional studies have not been reported for this variant. This variant has not been reported in individuals affected with hereditary cancer in the literature. This variant has not been identified in the general population by the Genome Aggregation Database (gnomAD). The available evidence is insufficient to determine the role of this variant in disease conclusively. Therefore, this variant is classified as a Variant of Uncertain Significance.

This study involves interpretation of variants in research participants for the purpose of population health screening. Participant phenotype was not available at the time of variant classification. Additional details can be found in publication PMID: 35346344, PMCID: PMC8962531

University of Washington Department of Laboratory Medicine, University of Washington
Classification: Likely benign for Hereditary cancer-predisposing syndrome. Last evaluated: 2023-03-23. Review status: criteria provided, single submitter. Criteria: Dines et al. (Genet Med. 2020). Collection method: curation. Allele origin: germline.
Comment: Missense variant in a coldspot region where missense variants are very unlikely to be pathogenic (PMID:31911673).

BRCA2 exon 11 coldspot. Reclassification based on statistical prior probability.

Quest Diagnostics Nichols Institute San Juan Capistrano
Classification: Uncertain significance. Last evaluated: 2016-11-30. Review status: criteria provided, single submitter. Criteria: Quest Diagnostics criteria. Collection method: clinical testing. Allele origin: germline.

GeneDx
Classification: Uncertain significance. Last evaluated: 2016-04-29. Review status: criteria provided, single submitter. Criteria: GeneDx Variant Classification (06012015). Collection method: clinical testing. Allele origin: germline. Affected: yes.
Comment: This variant is denoted BRCA2 c.6469C>G at the cDNA level, p.Gln2157Glu (Q2157E) at the protein level, and results in the change of a Glutamine to a Glutamic Acid (CAA>GAA). Using alternate nomenclature, this variant would be defined as BRCA2 6697C>G. This variant has not, to our knowledge, been published in the literature as pathogenic or benign. BRCA2 Gln2157Glu was not observed in approximately 6,500 individuals of European and African American ancestry in the NHLBI Exome Sequencing Project, suggesting it is not a common benign variant in these populations. Since Glutamine and Glutamic Acid differ in some properties, this is considered a semi-conservative amino acid substitution. BRCA2 Gln2157Glu occurs at a position that is not conserved and is not located in a known functional domain. In silico analyses predict that this variant is unlikely to alter protein structure or function. Based on currently available evidence, it is unclear whether BRCA2 Gln2157Glu is a pathogenic or benign variant. We consider it to be a variant of uncertain significance.

Literature cited by the submitters: PubMed 33471991 (cited by Women's Health and Genetics/Laboratory Corporation of America, LabCorp).

NM_000059.4(BRCA2):c.6469C>G (p.Gln2157Glu)

Gene: BRCA2 (BRCA2 DNA repair associated; plus strand). Cytogenetic location: 13q13.1.
Variant type: single nucleotide variant.
Coding change: c.6469C>G on transcript NM_000059.4 (MANE Select); coding-DNA position 6469, C replaced by G.
Protein change: p.Gln2157Glu; replaces glutamine 2157 with glutamic acid.
Molecular consequence: missense variant.
Genome position (GRCh38, 1-based): chr13:32,340,824, C>G. VCF-style: chr13-32340824-C-G. GRCh37 (hg19) VCF-style: chr13-32914961-C-G.
Other names: short protein forms Q2157E.
Identifiers: ClinVar variation 229881 (VCV000229881.27), dbSNP rs397507859, ClinGen allele CA10579698.
Genomic context (GRCh38, chr13:32,340,824, plus strand): 5'-AATGTTGAAGGTGGTTCTTCAGAAAATAATCACTCTATTAAAGTTTCTCCATATCTCTCT[C>G]AATTTCAACAAGACAAACAACAGTTGGTATTAGGAACCAAAGTGTCACTTGTTGAGAACA-3'
Protein context (NP_000050.3, residues 2147-2167): HSIKVSPYLS[Gln2157Glu]FQQDKQQLVL